The following is an entry in ClinVar:

ClinVar aggregate classification (germline): Conflicting classifications of pathogenicity. Review status: criteria provided, conflicting classifications (1 of 4 stars). 3 submissions from 3 submitters: Uncertain significance (1); Likely benign (2). Last evaluated 2026-08-19.

Conditions:
USH2A-related disorder. Also called: USH2A-related condition; USH2A-related disorders. Identifiers: MedGen CN239332.

Allele frequency attached by ClinVar (database versions not stated): TOPMed 0.00003; gnomAD 0.00005; ESP Exome Variant Server 0.00015.
gnomAD v4.1: 12 of 1,613,494 alleles (0.00074%); highest among the groups gnomAD compares: African/African-American, 0.013%; no homozygotes.

Submissions (3):

PreventionGenetics, part of Exact Sciences
Classification: Likely benign for USH2A-related condition. Last evaluated: 2026-08-19. Review status: criteria provided, single submitter. Criteria: ACMG Guidelines, 2015. Collection method: clinical testing. Allele origin: germline.
Comment: This variant is classified as likely benign based on ACMG/AMP sequence variant interpretation guidelines (Richards et al. 2015 PMID: 25741868, with internal and published modifications).

Labcorp Genetics (formerly Invitae), Labcorp
Classification: Likely benign. Last evaluated: 2025-03-30. Review status: criteria provided, single submitter. Criteria: Invitae Variant Classification Sherloc (09022015). Collection method: clinical testing. Allele origin: germline.

Blueprint Genetics
Classification: Uncertain significance. Last evaluated: 2018-07-21. Review status: criteria provided, single submitter. Criteria: ACMG Guidelines, 2015. Collection method: clinical testing. Allele origin: germline.

NM_206933.4(USH2A):c.11712-8C>A

Gene: USH2A (usherin; minus strand). Cytogenetic location: 1q41.
Variant type: single nucleotide variant.
Coding change: c.11712-8C>A on transcript NM_206933.4 (MANE Select); 8 bases into the intron before coding-DNA position 11712, C replaced by A.
Molecular consequence: intron variant.
Genome position (GRCh38, 1-based): chr1:215,728,392, G>T on the plus strand (C>A on the coding strand, the complement: USH2A is on the minus strand). VCF-style: chr1-215728392-G-T. GRCh37 (hg19) VCF-style: chr1-215901734-G-T.
Other names: c.11712-8C>A (NM_206933.2).
Identifiers: ClinVar variation 2969902 (VCV002969902.5), dbSNP rs376351199, ClinGen allele CA37395676.